The following is an entry in ClinVar:

NM_021100.5(NFS1):c.948+1G>T

Gene: NFS1 (NFS1 cysteine desulfurase; minus strand). Cytogenetic location: 20q11.22.
Variant type: single nucleotide variant.
Coding change: c.948+1G>T on transcript NM_021100.5 (MANE Select); the canonical splice donor site of the intron after coding-DNA position 948, G replaced by T.
Molecular consequence: splice donor variant.
Genome position (GRCh38, 1-based): chr20:35,675,044, C>A on the plus strand (G>T on the coding strand, the complement: NFS1 is on the minus strand). VCF-style: chr20-35675044-C-A. GRCh37 (hg19) VCF-style: chr20-34262966-C-A.
Other names: c.795+1G>T (NM_001198989.2).
Identifiers: ClinVar variation 1407818 (VCV001407818.15), dbSNP rs774266655, ClinGen allele CA9837116.

ClinVar aggregate classification (germline): Uncertain significance. Review status: criteria provided, multiple submitters, no conflicts (2 of 4 stars). 3 submissions from 3 submitters: Uncertain significance (3). Last evaluated 2025-09-10.

Conditions:
Combined oxidative phosphorylation deficiency 52. Identifiers: MedGen C5543592, MONDO:0030311, OMIM 619386.

Allele frequency attached by ClinVar (database versions not stated): ExAC 0.00002; gnomAD exomes 0.00002; TOPMed 0.00002; gnomAD 0.00003.
gnomAD v4.1: 33 of 1,613,840 alleles (0.002%); highest among the groups gnomAD compares: Non-Finnish European, 0.0026%; no homozygotes.

Submissions (3):

Labcorp Genetics (formerly Invitae), Labcorp
Classification: Uncertain significance. Last evaluated: 2025-09-10. Review status: criteria provided, single submitter. Criteria: Invitae Variant Classification Sherloc (09022015). Collection method: clinical testing. Allele origin: germline.
Comment: This sequence change affects a donor splice site in intron 8 of the NFS1 gene. It is expected to disrupt RNA splicing. Variants that disrupt the donor or acceptor splice site typically lead to a loss of protein function (PMID: 16199547), however the current clinical and genetic evidence is not sufficient to establish whether loss-of-function variants in NFS1 cause disease. This variant is present in population databases (rs774266655, gnomAD 0.005%). This variant has not been reported in the literature in individuals affected with NFS1-related conditions. ClinVar contains an entry for this variant (Variation ID: 1407818). Algorithms developed to predict the effect of sequence changes on RNA splicing suggest that this variant may disrupt the consensus splice site. In summary, the available evidence is currently insufficient to determine the role of this variant in disease. Therefore, it has been classified as a Variant of Uncertain Significance.

Blueprint Genetics
Classification: Uncertain significance. Last evaluated: 2023-12-15. Review status: criteria provided, single submitter. Criteria: ACMG Guidelines, 2015. Collection method: clinical testing. Allele origin: germline.

Revvity Omics, Revvity
Classification: Uncertain significance for Combined oxidative phosphorylation deficiency 52. Last evaluated: 2022-01-27. Review status: criteria provided, single submitter. Criteria: ACMG Guidelines, 2015. Collection method: clinical testing. Allele origin: germline.

Literature cited by the submitters: PubMed 16199547 (cited by Labcorp Genetics (formerly Invitae), Labcorp).